The following is an entry in ClinVar:

ClinVar aggregate classification (germline): Likely pathogenic (1 of 4 stars; one submission).

Conditions:
Autosomal recessive limb-girdle muscular dystrophy. Identifiers: Orphanet 102015, MedGen C2931907, MONDO:0015152.

Submission:

Myriad Genetics, Inc.
Classification: Likely pathogenic for Autosomal recessive limb-girdle muscular dystrophy. Last evaluated: 2019-05-30. Review status: criteria provided, single submitter. Criteria: Myriad Autosomal Dominant, Autosomal Recessive and X-Linked Classification Criteria (2023). Collection method: clinical testing. Allele origin: unknown.
Comment: NM_003494.3(DYSF):c.3187G>T(E1063*) is expected to be pathogenic in the context of dysferlinopathy. This variant is predicted to lead to an abnormal or absent protein product due to the creation of a premature termination codon in DYSF, a gene where loss-of-function variants are known to be pathogenic. Please note: this variant was assessed in the context of healthy population screening.

NM_001130987.2(DYSF):c.3241G>T (p.Glu1081Ter)

Gene: DYSF (dysferlin; plus strand). Cytogenetic location: 2p13.2.
Variant type: single nucleotide variant.
Coding change: c.3241G>T on transcript NM_001130987.2 (MANE Select); coding-DNA position 3241, G replaced by T.
Protein change: p.Glu1081Ter; replaces glutamic acid 1081 with a stop codon.
Molecular consequence: nonsense.
Genome position (GRCh38, 1-based): chr2:71,574,210, G>T. VCF-style: chr2-71574210-G-T. GRCh37 (hg19) VCF-style: chr2-71801340-G-T.
Other names: c.3190G>T, p.Glu1064Ter (NM_001130455.2, NM_001130983.2); c.3145G>T, p.Glu1049Ter (NM_001130976.2, NM_001130977.2); c.3187G>T, p.Glu1063Ter (NM_001130978.2, NM_003494.4); c.3280G>T, p.Glu1094Ter (NM_001130979.2); c.3238G>T, p.Glu1080Ter (NM_001130980.2, NM_001130981.2); c.3283G>T, p.Glu1095Ter (NM_001130982.2); c.3148G>T, p.Glu1050Ter (NM_001130984.2, NM_001130986.2); c.3241G>T, p.Glu1081Ter (NM_001130985.2); short protein forms E1049*, E1050*, E1063*, E1064*, E1080*, E1081*, E1094*, E1095*.
Identifiers: ClinVar variation 983960 (VCV000983960.4), dbSNP rs1666836481, ClinGen allele CA347217954.
Genomic context (GRCh38, chr2:71,574,210, plus strand): 5'-CCCCCAGCCTTCCCACCGGCCTCTGAGTCTGCCCCTTCTCTTGTGCAGCACAGGCAGGCG[G>T]AGGCGGAGGGCGAGGGCTGGGAGTACGCCTCTCTTTTTGGCTGGAAGTTCCACCTCGAGT-3'